The following is an entry in ClinVar:

ClinVar aggregate classification (germline): Uncertain significance (1 of 4 stars; one submission).

Conditions:
Familial Mediterranean fever (FMF). Also called: POLYSEROSITIS, FAMILIAL PAROXYSMAL; POLYSEROSITIS, RECURRENT; Periodic peritonitis; Benign paroxysmal peritonitis. Identifiers: Orphanet 342, MedGen C0031069, MONDO:0018088, OMIM 249100. Disease mechanism: gain of function.

Submission:

Labcorp Genetics (formerly Invitae), Labcorp
Classification: Uncertain significance for Familial Mediterranean fever. Last evaluated: 2018-04-16. Review status: criteria provided, single submitter. Criteria: Invitae Variant Classification Sherloc (09022015). Collection method: clinical testing. Allele origin: germline.
Comment: This sequence change replaces asparagine with aspartic acid at codon 256 of the MEFV protein (p.Asn256Asp). The asparagine residue is moderately conserved and there is a small physicochemical difference between asparagine and aspartic acid. In summary, the available evidence is currently insufficient to determine the role of this variant in disease. Therefore, it has been classified as a Variant of Uncertain Significance. Algorithms developed to predict the effect of missense changes on protein structure and function do not agree on the potential impact of this missense change (SIFT: "Tolerated"; PolyPhen-2: "Possibly Damaging"; Align-GVGD: "Class C0"). This variant has not been reported in the literature in individuals with MEFV-related disease. This variant is not present in population databases (ExAC no frequency).

NM_000243.3(MEFV):c.766A>G (p.Asn256Asp)

Gene: MEFV (MEFV innate immunity regulator, pyrin; minus strand). Cytogenetic location: 16p13.3.
Variant type: single nucleotide variant.
Coding change: c.766A>G on transcript NM_000243.3 (MANE Select); coding-DNA position 766, A replaced by G.
Protein change: p.Asn256Asp; replaces asparagine 256 with aspartic acid.
Molecular consequence: missense variant. On other transcripts: intron variant (1).
Genome position (GRCh38, 1-based): chr16:3,254,302, T>C on the plus strand (A>G on the coding strand, the complement: MEFV is on the minus strand). VCF-style: chr16-3254302-T-C. GRCh37 (hg19) VCF-style: chr16-3304302-T-C.
Other names: c.277+2009A>G (NM_001198536.2); short protein forms N256D.
Identifiers: ClinVar variation 576381 (VCV000576381.8), dbSNP rs1567237118, ClinGen allele CA394477733.